The following is an entry in ClinVar:

NM_002844.4(PTPRK):c.1070C>G (p.Thr357Ser)

Gene: PTPRK (protein tyrosine phosphatase receptor type K; minus strand). Cytogenetic location: 6q22.33.
Variant type: single nucleotide variant.
Coding change: c.1070C>G on transcript NM_002844.4 (MANE Select); coding-DNA position 1070, C replaced by G.
Protein change: p.Thr357Ser; replaces threonine 357 with serine.
Molecular consequence: missense variant.
Genome position (GRCh38, 1-based): chr6:128,184,524, G>C on the plus strand (C>G on the coding strand, the complement: PTPRK is on the minus strand). VCF-style: chr6-128184524-G-C. GRCh37 (hg19) VCF-style: chr6-128505669-G-C.
Other names: c.1070C>G, p.Thr357Ser (NM_001135648.3, NM_001291981.2, NM_001291982.2 and 1 more transcripts); c.683C>G, p.Thr228Ser (NM_001291983.2); short protein forms T228S, T357S.
Identifiers: ClinVar variation 4873583 (VCV004873583.2).

ClinVar aggregate classification (germline): Uncertain significance (1 of 4 stars; one submission).

Submission:

CeGaT Center for Human Genetics Tuebingen
Classification: Uncertain significance. Last evaluated: 2026-04-01. Review status: criteria provided, single submitter. Criteria: CeGaT Center For Human Genetics Tuebingen Variant Classification Criteria Version 2. Collection method: clinical testing. Allele origin: germline. Affected: yes. Observed: 1 variant allele.
Comment: PTPRK: PM2, PP2, PP3